The following is an entry in ClinVar:

ClinVar aggregate classification (germline): Uncertain significance (1 of 4 stars; one submission).

Conditions:
CHARGE syndrome (CHARGE). Also called: Hittner Hirsch Kreh syndrome; CHARGE ASSOCIATION--COLOBOMA, HEART ANOMALY, CHOANAL ATRESIA, RETARDATION, GENITAL AND EAR ANOMALIES; Coloboma, heart anomaly, choanal atresia, retardation, genital and ear anomalies; CHARGE association; Hall-Hittner syndrome. Identifiers: Orphanet 138, MedGen C0265354, MONDO:0008965.
Hypogonadotropic hypogonadism 5 with or without anosmia (KAL5). Also called: CHD7-Related GnRH Deficiency (Kallmann Syndrome 5); HYPOGONADOTROPIC HYPOGONADISM 5 WITH ANOSMIA; HYPOGONADOTROPHIC HYPOGONADISM 5 WITHOUT ANOSMIA. Identifiers: Orphanet 478, MedGen C3552553, MONDO:0012880, OMIM 612370. Disease mechanism: loss of function.

Submission:

Juno Genomics, Hangzhou Juno Genomics, Inc
Classification: Uncertain significance for CHD7-related CHARGE syndrome; Hypogonadotropic hypogonadism 5 with or without anosmia. Review status: criteria provided, single submitter. Criteria: ACMG Guidelines, 2015. Collection method: clinical testing. Allele origin: germline. Affected: yes.
Comment: Absent from controls (or at extremely low frequency if recessive) in Genome Aggregation Database, Exome Sequencing Project, 1000 Genomes Project, or Exome Aggregation Consortium.;Multiple lines of computational evidence support a deleterious effect on the gene or gene product (conservation, evolutionary, splicing impact, etc).

NM_017780.4(CHD7):c.2914C>G (p.Gln972Glu)

Gene: CHD7 (chromodomain helicase DNA binding protein 7; plus strand). Cytogenetic location: 8q12.2.
Variant type: single nucleotide variant.
Coding change: c.2914C>G on transcript NM_017780.4 (MANE Select); coding-DNA position 2914, C replaced by G.
Protein change: p.Gln972Glu; replaces glutamine 972 with glutamic acid.
Molecular consequence: missense variant. On other transcripts: intron variant (1).
Genome position (GRCh38, 1-based): chr8:60,822,102, C>G. VCF-style: chr8-60822102-C-G. GRCh37 (hg19) VCF-style: chr8-61734661-C-G.
Other names: c.1717-40127C>G (NM_001316690.1); short protein forms Q972E.
Identifiers: ClinVar variation 3382363 (VCV003382363.2).